The following is an entry in ClinVar:

ClinVar aggregate classification (germline): Uncertain significance (1 of 4 stars; one submission).

Submission:

Women's Health and Genetics/Laboratory Corporation of America, LabCorp
Classification: Uncertain significance. Last evaluated: 2025-09-10. Review status: criteria provided, single submitter. Criteria: LabCorp Variant Classification Summary - May 2015. Collection method: clinical testing. Allele origin: germline.
Comment: Variant summary: PCNA c.509C>G (p.Ser170Cys) results in a non-conservative amino acid change in the encoded protein sequence. Algorithms developed to predict the effect of missense changes on protein structure and function are either unavailable or do not agree on the potential impact of this missense change. The variant was absent in 251336 control chromosomes. The available data on variant occurrences in the general population are insufficient to allow any conclusion about variant significance. To our knowledge, no occurrence of c.509C>G in individuals affected with PCNA-related conditions and no experimental evidence demonstrating its impact on protein function have been reported. No submitters have cited clinical-significance assessments for this variant to ClinVar. Based on the evidence outlined above, the variant was classified as uncertain significance.

NM_182649.2(PCNA):c.509C>G (p.Ser170Cys)

Gene: PCNA (proliferating cell nuclear antigen; minus strand). Cytogenetic location: 20p12.3.
Variant type: single nucleotide variant.
Coding change: c.509C>G on transcript NM_182649.2 (MANE Select); coding-DNA position 509, C replaced by G.
Protein change: p.Ser170Cys; replaces serine 170 with cysteine.
Molecular consequence: missense variant.
Genome position (GRCh38, 1-based): chr20:5,117,543, G>C on the plus strand (C>G on the coding strand, the complement: PCNA is on the minus strand). VCF-style: chr20-5117543-G-C. GRCh37 (hg19) VCF-style: chr20-5098189-G-C.
Other names: c.509C>G, p.Ser170Cys (NM_002592.2); short protein forms S170C.
Identifiers: ClinVar variation 4535614 (VCV004535614.1).